The following is an entry in ClinVar:

ClinVar aggregate classification (germline): Uncertain significance (1 of 4 stars; one submission).

Allele frequency attached by ClinVar (database versions not stated): gnomAD exomes 0.00001 and 0.00003; ExAC 0.00002; TOPMed 0.00002; gnomAD 0.00003 and 0.00004; ESP Exome Variant Server 0.00008.
gnomAD v4.1: 49 of 1,602,188 alleles (0.0031%); highest among the groups gnomAD compares: Non-Finnish European, 0.004%; no homozygotes.

Submission:

Labcorp Genetics (formerly Invitae), Labcorp
Classification: Uncertain significance. Last evaluated: 2021-10-22. Review status: criteria provided, single submitter. Criteria: Invitae Variant Classification Sherloc (09022015). Collection method: clinical testing. Allele origin: germline.
Comment: This sequence change replaces alanine, which is neutral and non-polar, with threonine, which is neutral and polar, at codon 2857 of the ADGRV1 protein (p.Ala2857Thr). This variant is present in population databases (rs367583983, gnomAD 0.003%). This variant has not been reported in the literature in individuals affected with ADGRV1-related conditions. Algorithms developed to predict the effect of missense changes on protein structure and function output the following: SIFT: "Tolerated"; PolyPhen-2: "Benign"; Align-GVGD: "Class C0". The threonine amino acid residue is found in multiple mammalian species, which suggests that this missense change does not adversely affect protein function. In summary, the available evidence is currently insufficient to determine the role of this variant in disease. Therefore, it has been classified as a Variant of Uncertain Significance.

NM_032119.4(ADGRV1):c.8569G>A (p.Ala2857Thr)

Gene: ADGRV1 (adhesion G protein-coupled receptor V1; plus strand). Cytogenetic location: 5q14.3.
Variant type: single nucleotide variant.
Coding change: c.8569G>A on transcript NM_032119.4 (MANE Select); coding-DNA position 8569, G replaced by A.
Protein change: p.Ala2857Thr; replaces alanine 2857 with threonine.
Molecular consequence: missense variant. On other transcripts: non-coding transcript variant (1).
Genome position (GRCh38, 1-based): chr5:90,706,233, G>A. VCF-style: chr5-90706233-G-A. GRCh37 (hg19) VCF-style: chr5-90002050-G-A.
Other names: short protein forms A2857T.
Identifiers: ClinVar variation 1388645 (VCV001388645.3), dbSNP rs367583983, ClinGen allele CA3340290.